The following is an entry in ClinVar:

NM_003919.3(SGCE):c.597A>G (p.Ile199Met)

Genes: SGCE (sarcoglycan epsilon; minus strand), CASD1 (CAS1 domain sialic acid O acetyltransferase 1; plus strand). Cytogenetic location: 7q21.3.
Variant type: single nucleotide variant.
Coding change: c.597A>G on transcript NM_003919.3 (MANE Select); coding-DNA position 597, A replaced by G.
Protein change: p.Ile199Met; replaces isoleucine 199 with methionine.
Molecular consequence: missense variant.
Genome position (GRCh38, 1-based): chr7:94,618,823, T>C on the plus strand (A>G on the coding strand, the complement: SGCE is on the minus strand). VCF-style: chr7-94618823-T-C. GRCh37 (hg19) VCF-style: chr7-94248135-T-C.
Other names: c.510A>G, p.Ile170Met (NM_001346719.2, NM_001362807.2); c.324A>G, p.Ile108Met (NM_001346720.2, NM_001362808.2); c.474A>G, p.Ile158Met (NM_001362809.2, NM_001301139.2); c.597A>G, p.Ile199Met (NM_001099400.2, NM_001099401.2, NM_001346717.2); c.705A>G, p.Ile235Met (NM_001346713.2, NM_001346715.2); short protein forms I108M, I158M, I170M, I199M, I235M.
Identifiers: ClinVar variation 1311106 (VCV001311106.7), dbSNP rs777920643, ClinGen allele CA4348761.

ClinVar aggregate classification (germline): Uncertain significance. Review status: criteria provided, multiple submitters, no conflicts (2 of 4 stars). 4 submissions from 4 submitters: Uncertain significance (4). Last evaluated 2025-05-26.

Conditions:
Inborn genetic diseases. Identifiers: MedGen C0950123, MeSH D030342.
Myoclonic dystonia 11 (DYT11). Also called: DYT-SGCE; Myoclonic dystonia; Dystonia 11; Dystonia, alcohol responsive; Hereditary essential myoclonus; SGCE Myoclonus-Dystonia. Identifiers: Orphanet 36899, MedGen C1834570, MONDO:0008044, OMIM 159900.

Allele frequency attached by ClinVar (database versions not stated): TOPMed below 0.00001; gnomAD exomes 0.00001 and 0.00002; ExAC 0.00002.
gnomAD v4.1: 24 of 1,614,076 alleles (0.0015%); highest among the groups gnomAD compares: Non-Finnish European, 0.002%; no homozygotes.

Submissions (4):

Ambry Genetics
Classification: Uncertain significance for Inborn genetic diseases. Last evaluated: 2025-05-26. Review status: criteria provided, single submitter. Criteria: Ambry Variant Classification Scheme 2023. Collection method: clinical testing. Allele origin: germline.

Labcorp Genetics (formerly Invitae), Labcorp
Classification: Uncertain significance for Myoclonic dystonia 11. Last evaluated: 2024-04-25. Review status: criteria provided, single submitter. Criteria: Invitae Variant Classification Sherloc (09022015). Collection method: clinical testing. Allele origin: germline.
Comment: This sequence change replaces isoleucine, which is neutral and non-polar, with methionine, which is neutral and non-polar, at codon 199 of the SGCE protein (p.Ile199Met). This variant is present in population databases (rs777920643, gnomAD 0.003%). This variant has not been reported in the literature in individuals affected with SGCE-related conditions. ClinVar contains an entry for this variant (Variation ID: 1311106). Advanced modeling of protein sequence and biophysical properties (such as structural, functional, and spatial information, amino acid conservation, physicochemical variation, residue mobility, and thermodynamic stability) performed at Invitae indicates that this missense variant is not expected to disrupt SGCE protein function with a negative predictive value of 80%. In summary, the available evidence is currently insufficient to determine the role of this variant in disease. Therefore, it has been classified as a Variant of Uncertain Significance.

Revvity Omics, Revvity
Classification: Uncertain significance for Myoclonic dystonia 11. Last evaluated: 2021-11-11. Review status: criteria provided, single submitter. Criteria: ACMG Guidelines, 2015. Collection method: clinical testing. Allele origin: germline.

GeneDx
Classification: Uncertain significance. Last evaluated: 2019-09-05. Review status: criteria provided, single submitter. Criteria: GeneDx Variant Classification Process June 2021. Collection method: clinical testing. Allele origin: germline. Affected: yes.
Comment: Not observed at a significant frequency in large population cohorts (Lek et al., 2016); In silico analysis, which includes protein predictors and evolutionary conservation, supports that this variant does not alter protein structure/function; Has not been previously published as pathogenic or benign to our knowledge